The following is an entry in ClinVar:

ClinVar aggregate classification (germline): Benign/Likely benign. Review status: criteria provided, multiple submitters, no conflicts (2 of 4 stars). 4 submissions from 4 submitters: Benign (2); Likely benign (1). 1 of the submissions does not count toward it. Last evaluated 2026-01-06.

Conditions:
FBN3-related disorder. Also called: FBN3-related condition.

Allele frequency attached by ClinVar (database versions not stated): 1000 Genomes Project 30x 0.00141; 1000 Genomes Project 0.00160; TOPMed 0.00187; ExAC 0.00191; ESP Exome Variant Server 0.00223.

Submissions (4):

Labcorp Genetics (formerly Invitae), Labcorp
Classification: Benign. Last evaluated: 2026-01-06. Review status: criteria provided, single submitter. Criteria: Invitae Variant Classification Sherloc (09022015). Collection method: clinical testing. Allele origin: germline.

CeGaT Center for Human Genetics Tuebingen
Classification: Likely benign. Last evaluated: 2022-06-01. Review status: criteria provided, single submitter. Criteria: CeGaT Center For Human Genetics Tuebingen Variant Classification Criteria Version 2. Collection method: clinical testing. Allele origin: germline. Affected: yes. Observed: 1 variant allele.
Comment: FBN3: BP4, BP7

Breakthrough Genomics
Classification: Benign. Review status: criteria provided, single submitter. Criteria: ACMG Guidelines, 2015. Collection method: not provided. Allele origin: germline. Inheritance: Unknown mechanism. Affected: yes.

PreventionGenetics, part of Exact Sciences
Classification: Likely benign for FBN3-related condition. Last evaluated: 2019-07-02. Review status: no assertion criteria provided. Collection method: clinical testing. Allele origin: germline. Not counted in ClinVar's aggregate classification.
Comment: This variant is classified as likely benign based on ACMG/AMP sequence variant interpretation guidelines (Richards et al. 2015 PMID: 25741868, with internal and published modifications).

NM_032447.5(FBN3):c.4488G>A (p.Thr1496=)

Gene: FBN3 (fibrillin 3; minus strand). Cytogenetic location: 19p13.2.
Variant type: single nucleotide variant.
Coding change: c.4488G>A on transcript NM_032447.5 (MANE Select); coding-DNA position 4488, G replaced by A.
Protein change: p.Thr1496=; no amino-acid change (threonine 1496 retained).
Molecular consequence: synonymous variant.
Genome position (GRCh38, 1-based): chr19:8,109,357, C>T on the plus strand (G>A on the coding strand, the complement: FBN3 is on the minus strand). VCF-style: chr19-8109357-C-T. GRCh37 (hg19) VCF-style: chr19-8174241-C-T.
Other names: c.4488G>A, p.Thr1496= (NM_001321431.2); c.4488G>A (NM_001321431.1).
Identifiers: ClinVar variation 789239 (VCV000789239.33), dbSNP rs143694434, ClinGen allele CA9152023.
Genomic context (GRCh38, chr19:8,109,357, plus strand): 5'-TCGGGTGACACCAACTCCGATCTCGGCACTGCAGGAAATGCCACTGTCCCCTCGGTCATG[C>T]GTCTCCAGGAAACAGTTCCCGGCCCGAGTGTCTGAACAGGCAGAAGGGGATGGTTAGTAG-3'
Protein context (NP_115823.3, residues 1486-1506): DTRAGNCFLE[Thr1496=]HDRGDSGISC